The following is an entry in ClinVar:

NM_022114.4(PRDM16):c.1033-14A>G

Gene: PRDM16 (PR/SET domain 16; plus strand). Cytogenetic location: 1p36.32.
Variant type: single nucleotide variant.
Coding change: c.1033-14A>G on transcript NM_022114.4 (MANE Select); 14 bases into the intron before coding-DNA position 1033, A replaced by G.
Molecular consequence: intron variant.
Genome position (GRCh38, 1-based): chr1:3,405,481, A>G. VCF-style: chr1-3405481-A-G. GRCh37 (hg19) VCF-style: chr1-3322045-A-G.
Other names: c.1033-14A>G (NM_199454.3).
Identifiers: ClinVar variation 512205 (VCV000512205.4), dbSNP rs778504357, ClinGen allele CA544081.
Genomic context (GRCh38, chr1:3,405,481, plus strand): 5'-TTGGTCCGCCAGCCAGAACCAGGCCAAGGCGGGTGTCCAGGCAGGGCACGCGCCAACGGC[A>G]TCCGTCTCCCCAGGTGTTCACGGACCCCAGCAACCTTCAGCGGCACATCCGCTCGCAGCA-3'

ClinVar aggregate classification (germline): Likely benign. Review status: criteria provided, multiple submitters, no conflicts (2 of 4 stars). 2 submissions from 2 submitters: Likely benign (2). Last evaluated 2024-11-19.

Conditions:
Left ventricular noncompaction 8 (LVNC8). Identifiers: Orphanet 154, Orphanet 54260, MedGen C3809288, MONDO:0014152, OMIM 615373.

Allele frequency attached by ClinVar (database versions not stated): gnomAD 0.00001; TOPMed 0.00001; gnomAD exomes 0.00003 and 0.00004; ExAC 0.00004.
gnomAD v4.1: 38 of 1,553,892 alleles (0.0024%); highest among the groups gnomAD compares: Non-Finnish European, 0.0031%; no homozygotes.

Submissions (2):

Labcorp Genetics (formerly Invitae), Labcorp
Classification: Likely benign for Left ventricular noncompaction 8. Last evaluated: 2024-11-19. Review status: criteria provided, single submitter. Criteria: Invitae Variant Classification Sherloc (09022015). Collection method: clinical testing. Allele origin: germline.

GeneDx
Classification: Likely benign. Last evaluated: 2017-09-15. Review status: criteria provided, single submitter. Criteria: GeneDx Variant Classification (06012015). Collection method: clinical testing. Allele origin: germline. Affected: yes.
Comment: This variant is considered likely benign or benign based on one or more of the following criteria: it is a conservative change, it occurs at a poorly conserved position in the protein, it is predicted to be benign by multiple in silico algorithms, and/or has population frequency not consistent with disease.